The following is an entry in ClinVar:

ClinVar aggregate classification (germline): Conflicting classifications of pathogenicity. Review status: criteria provided, conflicting classifications (1 of 4 stars). 7 submissions from 7 submitters: Pathogenic (1); Likely pathogenic (1); Uncertain significance (3); Likely benign (1). 1 of the submissions does not count toward it. Last evaluated 2025-07-09.

Conditions:
Spinocerebellar ataxia type 13 (SCA13). Also called: Spinocerebellar Ataxia Type13. Identifiers: Orphanet 98768, MedGen C1854488, MONDO:0011529, OMIM 605259.
Tip-toe gait. Also called: Toe walking. Identifiers: MedGen C0427144, HP:0030051.

Submissions (7):

GeneDx
Classification: Uncertain significance. Last evaluated: 2025-07-09. Review status: criteria provided, single submitter. Criteria: GeneDx Variant Classification Process June 2021. Collection method: clinical testing. Allele origin: germline. Affected: yes.
Comment: Published functional studies suggest this variant may disrupt the normally rapid repolarization of action potentials and cause issues with neural signal transmission (PMID: 29949095); Identified in three siblings and an unrelated individual with spinocerebellar ataxia type 13 in published literature (PMID: 29949095); In-frame deletion of 3 amino acid(s) in a non-repeat region; In silico analysis indicates that this variant does not alter protein structure/function; This variant is associated with the following publications: (PMID: 29949095, 35169784)

Athena Diagnostics
Classification: Uncertain significance. Last evaluated: 2025-04-23. Review status: criteria provided, single submitter. Criteria: Athena Diagnostics Criteria. Collection method: clinical testing. Allele origin: unknown.
Comment: Available data are insufficient to determine the clinical significance of the variant at this time. The frequency of this variant in the general population is higher than would generally be expected for pathogenic variants in this gene. This variant associates with disease in multiple families. In our internal patient population, this variant is statistically more frequent than in the general population, which is weak evidence this variant may be disease causing. Assessment of experimental evidence suggests this variant results in abnormal protein function. (PMID: 29949095) This variant has been seen where an alternate explanation for disease was also identified, suggesting this variant may not cause disease.

Blueprint Genetics
Classification: Uncertain significance. Last evaluated: 2024-06-12. Review status: criteria provided, single submitter. Criteria: ACMG Guidelines, 2015. Collection method: clinical testing. Allele origin: germline.

Labcorp Genetics (formerly Invitae), Labcorp
Classification: Pathogenic. Last evaluated: 2023-04-23. Review status: criteria provided, single submitter. Criteria: Invitae Variant Classification Sherloc (09022015). Collection method: clinical testing. Allele origin: germline.
Comment: This variant, c.1746_1754del, results in the deletion of 3 amino acid(s) of the KCNC3 protein (p.Pro583_Pro585del), but otherwise preserves the integrity of the reading frame. This variant is present in population databases (rs772002798, gnomAD 0.01%). This variant has been observed in individuals with spinocerebellar ataxia (PMID: 29949095). It has also been observed to segregate with disease in related individuals. ClinVar contains an entry for this variant (Variation ID: 803573). Algorithms developed to predict the effect of variants on protein structure and function are not available or were not evaluated for this variant. Experimental studies have shown that this variant affects KCNC3 function (PMID: 29949095). For these reasons, this variant has been classified as Pathogenic.

Mendelics
Classification: Likely benign for Spinocerebellar ataxia type 13. Last evaluated: 2019-05-28. Review status: criteria provided, single submitter. Criteria: Mendelics Assertion Criteria 2017. Collection method: clinical testing. Allele origin: unknown.

CeGaT Center for Human Genetics Tuebingen
Classification: Likely pathogenic. Last evaluated: 2019-05-01. Review status: criteria provided, single submitter. Criteria: CeGaT Center For Human Genetics Tuebingen Variant Classification Criteria Version 2. Collection method: clinical testing. Allele origin: germline. Affected: yes. Observed: 1 variant allele.

Practice for Gait Abnormalities, David Pomarino, Competency Network Toe Walking C/o Practice Pomarino
Classification: Likely pathogenic for Tip-toe gait. Last evaluated: 2022-10-25. Review status: no assertion criteria provided. Collection method: clinical testing. Allele origin: germline. Affected: yes. Not counted in ClinVar's aggregate classification.
Comment: Hereditary motor sensory neuropathy (HMSN), also known as Charcot-Marie-Tooth Disease (CMT), is the most commonly inherited peripheral polyneuropathy. It constitutes a group of inherited, progressive, motor and sensory peripheral nerve disorders with properties of demyelination, axonal degeneration, or both. It is classified by clinical characteristics, modes of inheritance, electrophysiologic features, metabolic defects, and specific gene markers. Our patients all walk on tiptoe, so they show similar symptoms. When we genetically test them with our toe walking panel, we find that around 90 per cent of them have a genetic variant that explains their toe walking. These can be assigned, for example, to the area of myopathies (such as variants of the COL6A3 gene), the area of hereditary neuropathies (such as variants of the KMT2C gene) or the area of metabolic diseases (such as variants of the PYGM gene). In a smaller group of patients with almost identical symptoms, no abnormality is found in the genes of our panel, but spastic paraplegia can be detected. In another small group of our toe walkers, no abnormalities can be detected in the genes analysed in our toe walking panel, nor do they suffer from spastic paraplegia, as is also the case with healthy children. In contrast to these, however, they show a tiptoe gait. These patients suffer from infantile cerebral palsy, in which toe walking can also be observed.

Literature cited by the submitters: PubMed 37759934 (cited by Athena Diagnostics); PubMed 29949095 (cited by Athena Diagnostics and Labcorp Genetics (formerly Invitae), Labcorp); PubMed 35169784 (cited by Practice for Gait Abnormalities, David Pomarino, Competency Network Toe Walking C/o Practice Pomarino).

NM_004977.3(KCNC3):c.1737ACCCCCGCC[1] (p.Pro583_Pro585del)

Gene: KCNC3 (potassium voltage-gated channel subfamily C member 3; minus strand). Cytogenetic location: 19q13.33.
Variant type: Microsatellite.
Coding change: c.1737ACCCCCGCC[1] on transcript NM_004977.3 (MANE Select); one copy of the 9-base unit ACCCCCGCC starting at c.1737; the reference has two copies in a row; one copy, 9 bases deleted.
Protein change: p.Pro583_Pro585del.
Molecular consequence: inframe deletion.
Genome position (GRCh38, 1-based): chr19:50,323,199-50,323,207, GGCGGGGGT deleted on the plus strand (ACCCCCGCC on the coding strand, the reverse complement: KCNC3 is on the minus strand); deleting any 9 consecutive bases within chr19:50,323,199-50,323,218 gives the same sequence; the position shown is the placement nearest the transcript's 3' end. VCF-style (leftmost placement, unchanged base first): chr19-50323198-GGGCGGGGGT-G. GRCh37 (hg19) VCF-style: chr19-50826455-GGGCGGGGGT-G.
Other names: c.1509ACCCCCGCC[1], p.Pro507_Pro509del (NM_001372305.1).
Identifiers: ClinVar variation 803573 (VCV000803573.52), dbSNP rs747618525, ClinGen allele CA9594176.